The following is an entry in ClinVar:

NM_012431.3(SEMA3E):c.1918C>T (p.Leu640Phe)

Gene: SEMA3E (semaphorin 3E; minus strand). Cytogenetic location: 7q21.11.
Variant type: single nucleotide variant.
Coding change: c.1918C>T on transcript NM_012431.3 (MANE Select); coding-DNA position 1918, C replaced by T.
Protein change: p.Leu640Phe; replaces leucine 640 with phenylalanine.
Molecular consequence: missense variant.
Genome position (GRCh38, 1-based): chr7:83,367,996, G>A on the plus strand (C>T on the coding strand, the complement: SEMA3E is on the minus strand). VCF-style: chr7-83367996-G-A. GRCh37 (hg19) VCF-style: chr7-82997312-G-A.
Other names: c.1738C>T, p.Leu580Phe (NM_001178129.2); short protein forms L640F, L580F.
Identifiers: ClinVar variation 642340 (VCV000642340.10), dbSNP rs1246755098, ClinGen allele CA367914602.
Genomic context (GRCh38, chr7:83,367,996, plus strand): 5'-TATGCTCTACTGTCTGGCAAAAATAGGTCCCAGCATCTGATTTGTGTAACCTTAGGAAGA[G>A]TAAACCAAGGTCCATCTTAACCACTCTGTCATCTGTCTTCACCTGCAAAAACAAAAAAGT-3'
Protein context (NP_036563.1, residues 630-650): DRVVKMDLGL[Leu640Phe]FLRLHKSDAG

ClinVar aggregate classification (germline): Uncertain significance. Review status: criteria provided, multiple submitters, no conflicts (2 of 4 stars). 3 submissions from 3 submitters: Uncertain significance (2). 1 of the submissions does not count toward it. Last evaluated 2024-09-24.

Conditions:
SEMA3E-related disorder. Also called: SEMA3E-related condition.
CHARGE syndrome (CHARGE). Also called: Coloboma, heart anomaly, choanal atresia, retardation, genital and ear anomalies; CHARGE association; Hall-Hittner syndrome; Hittner Hirsch Kreh syndrome; CHARGE ASSOCIATION--COLOBOMA, HEART ANOMALY, CHOANAL ATRESIA, RETARDATION, GENITAL AND EAR ANOMALIES. Identifiers: Orphanet 138, MedGen C0265354, MONDO:0008965.
Hypogonadotropic hypogonadism 7 with or without anosmia (HH7). Also called: GNRHR-Related GnRH Deficiency; HYPOGONADOTROPIC HYPOGONADISM 7 WITHOUT ANOSMIA. Identifiers: Orphanet 432, MedGen C0342384, MONDO:0007794, OMIM 146110.

Allele frequency attached by ClinVar (database versions not stated): gnomAD exomes below 0.00001 and 0.00001; gnomAD 0.00001; TOPMed 0.00001.
gnomAD v4.1: 10 of 1,613,912 alleles (0.00062%); highest among the groups gnomAD compares: Non-Finnish European, 0.00076%; no homozygotes.

Submissions (3):

Labcorp Genetics (formerly Invitae), Labcorp
Classification: Uncertain significance for CHARGE syndrome. Last evaluated: 2024-09-24. Review status: criteria provided, single submitter. Criteria: Invitae Variant Classification Sherloc (09022015). Collection method: clinical testing. Allele origin: germline.
Comment: This sequence change replaces leucine, which is neutral and non-polar, with phenylalanine, which is neutral and non-polar, at codon 640 of the SEMA3E protein (p.Leu640Phe). This variant is present in population databases (no rsID available, gnomAD 0.0009%). This variant has not been reported in the literature in individuals affected with SEMA3E-related conditions. ClinVar contains an entry for this variant (Variation ID: 642340). Invitae Evidence Modeling of protein sequence and biophysical properties (such as structural, functional, and spatial information, amino acid conservation, physicochemical variation, residue mobility, and thermodynamic stability) has been performed for this missense variant. However, the output from this modeling did not meet the statistical confidence thresholds required to predict the impact of this variant on SEMA3E protein function. In summary, the available evidence is currently insufficient to determine the role of this variant in disease. Therefore, it has been classified as a Variant of Uncertain Significance.

Fulgent Genetics
Classification: Uncertain significance for Hypogonadotropic hypogonadism 7 with or without anosmia; CHD7-related CHARGE syndrome. Last evaluated: 2021-08-03. Review status: criteria provided, single submitter. Criteria: ACMG Guidelines, 2015. Collection method: clinical testing. Allele origin: unknown.

PreventionGenetics, part of Exact Sciences
Classification: Uncertain significance for SEMA3E-related condition. Last evaluated: 2024-08-23. Review status: no assertion criteria provided. Collection method: clinical testing. Allele origin: germline. Not counted in ClinVar's aggregate classification.
Comment: The SEMA3E c.1918C>T variant is predicted to result in the amino acid substitution p.Leu640Phe. To our knowledge, this variant has not been reported in the literature. This variant is reported in 0.00090% of alleles in individuals of European (Non-Finnish) descent in gnomAD. At this time, the clinical significance of this variant is uncertain due to the absence of conclusive functional and genetic evidence.